The following is an entry in ClinVar:

NM_003458.4(BSN):c.3033C>A (p.Ser1011Arg)

Gene: BSN (bassoon presynaptic cytomatrix protein; plus strand). Cytogenetic location: 3p21.31.
Variant type: single nucleotide variant.
Coding change: c.3033C>A on transcript NM_003458.4 (MANE Select); coding-DNA position 3033, C replaced by A.
Protein change: p.Ser1011Arg; replaces serine 1011 with arginine.
Molecular consequence: missense variant.
Genome position (GRCh38, 1-based): chr3:49,652,589, C>A. VCF-style: chr3-49652589-C-A. GRCh37 (hg19) VCF-style: chr3-49690022-C-A.
Other names: short protein forms S1011R.
Identifiers: ClinVar variation 5037006 (VCV005037006.1).

ClinVar aggregate classification (germline): Uncertain significance (1 of 4 stars; one submission).

gnomAD v4.1: 3 of 1,613,520 alleles (0.00019%); highest among the groups gnomAD compares: Non-Finnish European, 0.00025%; no homozygotes.

Submission:

GeneDx
Classification: Uncertain significance. Last evaluated: 2026-04-11. Review status: criteria provided, single submitter. Criteria: GeneDx Variant Classification Process June 2021. Collection method: clinical testing. Allele origin: germline.
Comment: Not observed at significant frequency in large population cohorts (gnomAD); In silico analysis supports that this missense variant has a deleterious effect on protein structure/function; Has not been previously published as pathogenic or benign to our knowledge